The following is an entry in ClinVar:

ClinVar aggregate classification (germline): Benign. Review status: criteria provided, multiple submitters, no conflicts (2 of 4 stars). 2 submissions from 2 submitters: Benign (2). Last evaluated 2018-01-12.

Conditions:
Xeroderma pigmentosum, group F (XPF). Also called: XERODERMA PIGMENTOSUM, COMPLEMENTATION GROUP F; XERODERMA PIGMENTOSUM VI; XP, GROUP F; ERCC4-Related Xeroderma Pigmentosum; XERODERMA PIGMENTOSUM, TYPE F; Xeroderma pigmentosum, type 6. Identifiers: MedGen C0268140, MONDO:0010215, OMIM 278760.

Allele frequency attached by ClinVar (database versions not stated): gnomAD exomes 0.04507; 1000 Genomes Project 0.04732; gnomAD 0.06008 and 0.06215; TOPMed 0.06087.

Submissions (2):

Illumina Laboratory Services, Illumina
Classification: Benign for Xeroderma pigmentosum, group F. Last evaluated: 2018-01-12. Review status: criteria provided, single submitter. Criteria: ICSL Variant Classification Criteria 13 December 2019. Collection method: clinical testing. Allele origin: germline.
Comment: This variant was observed in the ICSL laboratory as part of a predisposition screen in an ostensibly healthy population. It had not been previously curated by ICSL or reported in the Human Gene Mutation Database (HGMD: prior to June 1st, 2018), and was therefore a candidate for classification through an automated scoring system. Utilizing variant allele frequency, disease prevalence and penetrance estimates, and inheritance mode, an automated score was calculated to assess if this variant is too frequent to cause the disease. Based on the score and internal cut-off values, a variant classified as benign is not then subjected to further curation. The score for this variant resulted in a classification of benign for this disease.

Breakthrough Genomics
Classification: Benign. Review status: criteria provided, single submitter. Criteria: ACMG Guidelines, 2015. Collection method: not provided. Allele origin: germline. Inheritance: Autosomal recessive inheritance. Affected: yes.

NM_005236.3(ERCC4):c.*3801C>T

Gene: ERCC4 (ERCC excision repair 4, endonuclease catalytic subunit; plus strand). Cytogenetic location: 16p13.12.
Variant type: single nucleotide variant.
Coding change: c.*3801C>T on transcript NM_005236.3 (MANE Select); 3801 bases downstream of the stop codon, C replaced by T.
Molecular consequence: 3 prime UTR variant.
Genome position (GRCh38, 1-based): chr16:13,952,148, C>T. VCF-style: chr16-13952148-C-T. GRCh37 (hg19) VCF-style: chr16-14046005-C-T.
Identifiers: ClinVar variation 317876 (VCV000317876.6), dbSNP rs113403633, ClinGen allele CA10646992.